The following is an entry in ClinVar:

ClinVar aggregate classification (germline): Uncertain significance (1 of 4 stars; one submission).

gnomAD v4.1: 3 of 1,519,494 alleles (0.0002%); highest among the groups gnomAD compares: Non-Finnish European, 0.00027%; no homozygotes.

Submission:

Labcorp Genetics (formerly Invitae), Labcorp
Classification: Uncertain significance. Last evaluated: 2024-04-15. Review status: criteria provided, single submitter. Criteria: Invitae Variant Classification Sherloc (09022015). Collection method: clinical testing. Allele origin: germline.
Comment: This sequence change creates a premature translational stop signal (p.Gln448*) in the POLE2 gene. It is expected to result in an absent or disrupted protein product. However, the current clinical and genetic evidence is not sufficient to establish whether loss-of-function variants in POLE2 cause disease. This variant is present in population databases (no rsID available, gnomAD 0.007%). This variant has not been reported in the literature in individuals affected with POLE2-related conditions. In summary, the available evidence is currently insufficient to determine the role of this variant in disease. Therefore, it has been classified as a Variant of Uncertain Significance.

NM_002692.4(POLE2):c.1342C>T (p.Gln448Ter)

Gene: POLE2 (DNA polymerase epsilon 2, accessory subunit; minus strand). Cytogenetic location: 14q21.3.
Variant type: single nucleotide variant.
Coding change: c.1342C>T on transcript NM_002692.4 (MANE Select); coding-DNA position 1342, C replaced by T.
Protein change: p.Gln448Ter; replaces glutamine 448 with a stop codon.
Molecular consequence: nonsense.
Genome position (GRCh38, 1-based): chr14:49,650,420, G>A on the plus strand (C>T on the coding strand, the complement: POLE2 is on the minus strand). VCF-style: chr14-49650420-G-A. GRCh37 (hg19) VCF-style: chr14-50117138-G-A.
Other names: c.1264C>T, p.Gln422Ter (NM_001197330.2); c.1342C>T, p.Gln448Ter (NM_001197331.3); c.1339C>T, p.Gln447Ter (NM_001348384.2); c.1111C>T, p.Gln371Ter (NM_001348385.2); short protein forms Q371*, Q447*, Q448*, Q422*.
Identifiers: ClinVar variation 3681311 (VCV003681311.2).